The following is an entry in ClinVar:

NM_001040142.2(SCN2A):c.5753G>A (p.Arg1918His)

Gene: SCN2A (sodium voltage-gated channel alpha subunit 2; plus strand). Cytogenetic location: 2q24.3.
Variant type: single nucleotide variant.
Coding change: c.5753G>A on transcript NM_001040142.2 (MANE Select); coding-DNA position 5753, G replaced by A.
Protein change: p.Arg1918His; replaces arginine 1918 with histidine.
Molecular consequence: missense variant.
Genome position (GRCh38, 1-based): chr2:165,389,559, G>A. VCF-style: chr2-165389559-G-A. GRCh37 (hg19) VCF-style: chr2-166246069-G-A.
Other names: c.5753G>A, p.Arg1918His (NM_001040143.2, NM_001371246.1, NM_001371247.1 and 1 more transcripts); short protein forms R1918H.
Identifiers: ClinVar variation 590198 (VCV000590198.63), dbSNP rs201718767, ClinGen allele CA1940422.

ClinVar aggregate classification (germline): Conflicting classifications of pathogenicity. Review status: criteria provided, conflicting classifications (1 of 4 stars). 7 submissions from 7 submitters: Uncertain significance (6); Likely benign (1). Last evaluated 2025-12-05.

Conditions:
Developmental and epileptic encephalopathy, 11 (DEE11). Also called: Early infantile epileptic encephalopathy 11. Identifiers: Orphanet 1934, MedGen C3150987, MONDO:0013388, OMIM 613721.
Seizures, benign familial infantile, 3 (BFIS3). Also called: Familial neonatal seizures; CONVULSIONS, BENIGN FAMILIAL INFANTILE, 3. Identifiers: Orphanet 140927, Orphanet 306, MedGen C1843140, MONDO:0011904, OMIM 607745.
Episodic ataxia, type 9. Identifiers: MedGen C5394520, MONDO:0030064, OMIM 618924.
Inborn genetic diseases. Identifiers: MedGen C0950123, MeSH D030342.

Allele frequency attached by ClinVar (database versions not stated): ExAC 0.00005; gnomAD exomes 0.00006 and 0.00009; ESP Exome Variant Server 0.00008; TOPMed 0.00013; gnomAD 0.00015.
gnomAD v4.1: 114 of 1,613,738 alleles (0.0071%); highest among the groups gnomAD compares: East Asian, 0.025%; no homozygotes.

Submissions (7):

Labcorp Genetics (formerly Invitae), Labcorp
Classification: Uncertain significance for Seizures, benign familial infantile, 3; Developmental and epileptic encephalopathy, 11. Last evaluated: 2025-12-05. Review status: criteria provided, single submitter. Criteria: Invitae Variant Classification Sherloc (09022015). Collection method: clinical testing. Allele origin: germline.
Comment: This sequence change replaces arginine, which is basic and polar, with histidine, which is basic and polar, at codon 1918 of the SCN2A protein (p.Arg1918His). This variant is present in population databases (rs201718767, gnomAD 0.02%). This missense change has been observed in individual(s) with childhood absence epilepsy and developmental and epileptic encephalopathy and/or epilepsy of infancy with migrating focal seizures (PMID: 11738931, 33000761, 35715422). ClinVar contains an entry for this variant (Variation ID: 590198). Invitae Evidence Modeling of protein sequence and biophysical properties (such as structural, functional, and spatial information, amino acid conservation, physicochemical variation, residue mobility, and thermodynamic stability) indicates that this missense variant is not expected to disrupt SCN2A protein function with a negative predictive value of 95%. Experimental studies have shown that this missense change affects SCN2A function (PMID: 28087622). In summary, the available evidence is currently insufficient to determine the role of this variant in disease. Therefore, it has been classified as a Variant of Uncertain Significance.

Athena Diagnostics
Classification: Uncertain significance. Last evaluated: 2025-02-25. Review status: criteria provided, single submitter. Criteria: Athena Diagnostics Criteria. Collection method: clinical testing. Allele origin: unknown.
Comment: Available data are insufficient to determine the clinical significance of the variant at this time. The frequency of this variant in the general population is higher than would generally be expected for pathogenic variants in this gene. Assessment of experimental evidence suggests this variant results in abnormal protein function. (PMID: 28087622)

Baylor Genetics
Classification: Uncertain significance for Developmental and epileptic encephalopathy, 11. Last evaluated: 2020-08-13. Review status: criteria provided, single submitter. Criteria: ACMG Guidelines, 2015. Collection method: clinical testing. Allele origin: unknown. Affected: yes.
Comment: This variant was determined to be of uncertain significance according to ACMG Guidelines, 2015 [PMID:25741868].

CeGaT Center for Human Genetics Tuebingen
Classification: Uncertain significance. Last evaluated: 2019-07-01. Review status: criteria provided, single submitter. Criteria: CeGaT Center For Human Genetics Tuebingen Variant Classification Criteria Version 2. Collection method: clinical testing. Allele origin: germline. Affected: yes. Observed: 2 variant alleles.

GeneDx
Classification: Likely benign. Last evaluated: 2019-02-18. Review status: criteria provided, single submitter. Criteria: GeneDx Variant Classification Process June 2021. Collection method: clinical testing. Allele origin: germline. Affected: yes.
Comment: This variant is associated with the following publications: (PMID: 30564305, 27262167, 22029951, 11738931)

Ambry Genetics
Classification: Uncertain significance for Inborn genetic diseases. Last evaluated: 2016-12-08. Review status: criteria provided, single submitter. Criteria: Ambry Variant Classification Scheme 2023. Collection method: clinical testing. Allele origin: germline.
Comment: The p.R1918H variant (also known as c.5753G>A), located in coding exon 26 of the SCN2A gene, results from a G to A substitution at nucleotide position 5753. The arginine at codon 1918 is replaced by histidine, an amino acid with highly similar properties. This alteration was detected in one individual with febrile and tonic-clonic seizures; however, it was absent in the individual's niece who had pyknoleptic daily clusters of absence seizures. Of note, the alteration was not detected in three additional unaffected family members or in 92 controls (Haug K et al. Epilepsy Res., 2001 Dec;47:243-6). This amino acid position is well conserved in available vertebrate species. In addition, the in silico prediction for this alteration is inconclusive. Since supporting evidence is limited at this time, the clinical significance of this alteration remains unclear.

Center for Genomics, Ann and Robert H. Lurie Children's Hospital of Chicago
Classification: Uncertain significance for Seizures, benign familial infantile, 3; Developmental and epileptic encephalopathy, 11; Episodic ataxia, type 9. Review status: criteria provided, single submitter. Criteria: ACMG Guidelines, 2015. Collection method: clinical testing. Allele origin: germline.
Comment: SCN2A NM_001040142.1 exon 27 p.Arg1918His (c.5753G>A): This variant has been reported in the literature in 1 individual with idiopathic generalized epilepsy, but did not segregate with disease in 1 affected family member (Haug 2001 PMID:11738931). This variant is present in 19/125972 European alleles in the Genome Aggregation Database. Evolutionary conservation and computational predictive tools for this variant are unclear. In summary, data on this variant is insufficient for disease classification. Therefore, the clinical significance of this variant is uncertain.

Literature cited by the submitters: PubMed 11738931 (cited by 3 submitters); PubMed 33000761 (cited by Labcorp Genetics (formerly Invitae), Labcorp and Athena Diagnostics); PubMed 35715422 (cited by Labcorp Genetics (formerly Invitae), Labcorp and Athena Diagnostics); PubMed 28087622 (cited by Labcorp Genetics (formerly Invitae), Labcorp and Athena Diagnostics); PubMed 30564305 (cited by Athena Diagnostics); PubMed 32845893 (cited by Athena Diagnostics); PubMed 28150151 (cited by Athena Diagnostics); PubMed 22029951 (cited by Ambry Genetics); PubMed 24579881 (cited by Ambry Genetics).